The following is an entry in ClinVar:

NM_021956.5(GRIK2):c.922G>A (p.Asp308Asn)

Gene: GRIK2 (glutamate ionotropic receptor kainate type subunit 2; plus strand). Cytogenetic location: 6q16.3.
Variant type: single nucleotide variant.
Coding change: c.922G>A on transcript NM_021956.5 (MANE Select); coding-DNA position 922, G replaced by A.
Protein change: p.Asp308Asn; replaces aspartic acid 308 with asparagine.
Molecular consequence: missense variant.
Genome position (GRCh38, 1-based): chr6:101,686,324, G>A. VCF-style: chr6-101686324-G-A. GRCh37 (hg19) VCF-style: chr6-102134199-G-A.
Other names: c.922G>A, p.Asp308Asn (NM_001166247.1, NM_175768.3); short protein forms D308N.
Identifiers: ClinVar variation 1028234 (VCV001028234.4), dbSNP rs767667188, ClinGen allele CA3939433.

ClinVar aggregate classification (germline): Conflicting classifications of pathogenicity. Review status: criteria provided, conflicting classifications (1 of 4 stars). 3 submissions from 3 submitters: Uncertain significance (2); Likely benign (1). Last evaluated 2022-05-02.

Conditions:
Inborn genetic diseases. Identifiers: MedGen C0950123, MeSH D030342.
Intellectual developmental disorder, autosomal recessive 6. Also called: Intellectual disability, autosomal recessive 6. Identifiers: Orphanet 88616, MedGen C1970198, MONDO:0012614, OMIM 611092.

Allele frequency attached by ClinVar (database versions not stated): ExAC 0.00009; gnomAD 0.00017 and 0.00019; gnomAD exomes 0.00020; TOPMed 0.00014.
gnomAD v4.1: 143 of 1,613,434 alleles (0.0089%); highest among the groups gnomAD compares: Admixed American, 0.12%; no homozygotes.

Submissions (3):

Ambry Genetics
Classification: Likely benign for Inborn genetic diseases. Last evaluated: 2022-05-02. Review status: criteria provided, single submitter. Criteria: Ambry Variant Classification Scheme 2023. Collection method: clinical testing. Allele origin: germline.

New York Genome Center
Classification: Uncertain significance for Intellectual developmental disorder, autosomal recessive 6. Last evaluated: 2021-08-27. Review status: criteria provided, single submitter. Criteria: NYGC Assertion Criteria 2020. Collection method: clinical testing. Allele origin: inherited. Observed: 1 heterozygote. Study: CSER-NYCKidSeq.

Baylor Genetics
Classification: Uncertain significance for Intellectual developmental disorder, autosomal recessive 6. Last evaluated: 2019-05-18. Review status: criteria provided, single submitter. Criteria: ACMG Guidelines, 2015. Collection method: clinical testing. Allele origin: unknown. Affected: yes.
Comment: This variant was determined to be of uncertain significance according to ACMG Guidelines, 2015 [PMID:25741868].